The following is an entry in ClinVar:

NM_016122.3(CEP83):c.2000A>G (p.Gln667Arg)

Gene: CEP83 (centrosomal protein 83; minus strand). Cytogenetic location: 12q22.
Variant type: single nucleotide variant.
Coding change: c.2000A>G on transcript NM_016122.3 (MANE Select); coding-DNA position 2000, A replaced by G.
Protein change: p.Gln667Arg; replaces glutamine 667 with arginine.
Molecular consequence: missense variant. On other transcripts: non-coding transcript variant (2).
Genome position (GRCh38, 1-based): chr12:94,309,919, T>C on the plus strand (A>G on the coding strand, the complement: CEP83 is on the minus strand). VCF-style: chr12-94309919-T-C. GRCh37 (hg19) VCF-style: chr12-94703695-T-C.
Other names: c.2000A>G, p.Gln667Arg (NM_001042399.2, NM_001346457.2, NM_001368037.1 and 1 more transcripts); c.1688A>G, p.Gln563Arg (NM_001346458.2, NM_001346459.2, NM_001368039.1 and 1 more transcripts); c.1775A>G, p.Gln592Arg (NM_001368041.1); short protein forms Q563R, Q592R, Q667R.
Identifiers: ClinVar variation 952548 (VCV000952548.6), dbSNP rs752381662, ClinGen allele CA6721513.

ClinVar aggregate classification (germline): Uncertain significance (1 of 4 stars; one submission).

Conditions:
Nephronophthisis 18 (NPHP18). Identifiers: Orphanet 655, MedGen C3890591, MONDO:0014374, OMIM 615862.

Allele frequency attached by ClinVar (database versions not stated): gnomAD 0.00001; gnomAD exomes 0.00001 and 0.00005; TOPMed 0.00005; ExAC 0.00008.
gnomAD v4.1: 18 of 1,559,946 alleles (0.0012%); highest among the groups gnomAD compares: Admixed American, 0.031%; no homozygotes.

Submission:

Labcorp Genetics (formerly Invitae), Labcorp
Classification: Uncertain significance for Nephronophthisis 18. Last evaluated: 2024-05-26. Review status: criteria provided, single submitter. Criteria: Invitae Variant Classification Sherloc (09022015). Collection method: clinical testing. Allele origin: germline.
Comment: This sequence change replaces glutamine, which is neutral and polar, with arginine, which is basic and polar, at codon 667 of the CEP83 protein (p.Gln667Arg). This variant is present in population databases (rs752381662, gnomAD 0.02%). This variant has not been reported in the literature in individuals affected with CEP83-related conditions. ClinVar contains an entry for this variant (Variation ID: 952548). An algorithm developed to predict the effect of missense changes on protein structure and function (PolyPhen-2) suggests that this variant is likely to be disruptive. In summary, the available evidence is currently insufficient to determine the role of this variant in disease. Therefore, it has been classified as a Variant of Uncertain Significance.